The following is an entry in ClinVar:

ClinVar aggregate classification (germline): Pathogenic/Likely pathogenic. Review status: criteria provided, multiple submitters, no conflicts (2 of 4 stars). 2 submissions from 2 submitters: Pathogenic (1); Likely pathogenic (1). Last evaluated 2025-10-05.

Conditions:
Corticosterone methyl oxidase type II deficiency.

Submissions (2):

Labcorp Genetics (formerly Invitae), Labcorp
Classification: Pathogenic. Last evaluated: 2025-10-05. Review status: criteria provided, single submitter. Criteria: Invitae Variant Classification Sherloc (09022015). Collection method: clinical testing. Allele origin: germline.
Comment: This sequence change affects a donor splice site in intron 4 of the CYP11B2 gene. It is expected to disrupt RNA splicing. Variants that disrupt the donor or acceptor splice site typically lead to a loss of protein function (PMID: 16199547), and loss-of-function variants in CYP11B2 are known to be pathogenic (PMID: 20494601, 22801770, 26936515). This variant is not present in population databases (gnomAD no frequency). Disruption of this splice site has been observed in individual(s) with clinical features of hypoaldosteronism (internal data). In at least one individual the data is consistent with being in trans (on the opposite chromosome) from a pathogenic variant. Algorithms developed to predict the effect of sequence changes on RNA splicing suggest that this variant may disrupt the consensus splice site. For these reasons, this variant has been classified as Pathogenic.

Natera, Inc.
Classification: Likely pathogenic for Corticosterone methyl oxidase type II deficiency. Last evaluated: 2025-03-10. Review status: criteria provided, single submitter. Criteria: Natera Variant Classification Schema (03/2026). Collection method: clinical testing. Allele origin: germline.
Comment: The c.799+1G>A variant in CYP11B2 is a canonical splice donor site variant predicted to affect pre-mRNA splicing, which may result in an abnormal transcript and altered protein product. This variant is expected to result in nonsense mediated decay, truncation, or a dysfunctional protein product. This variant is rare in the general population with a frequency below the threshold expected for the associated phenotype(s). Given the available evidence, this variant is classified as Likely Pathogenic.

Literature cited by the submitters: PubMed 16199547 (cited by Labcorp Genetics (formerly Invitae), Labcorp); PubMed 20494601 (cited by Labcorp Genetics (formerly Invitae), Labcorp); PubMed 22801770 (cited by Labcorp Genetics (formerly Invitae), Labcorp); PubMed 26936515 (cited by Labcorp Genetics (formerly Invitae), Labcorp).

NM_000498.3(CYP11B2):c.799+1G>A

Genes: CYP11B2 (cytochrome P450 family 11 subfamily B member 2; minus strand), LOC106799834 (CYP11B2 recombination region; plus strand). Cytogenetic location: 8q24.3.
Variant type: single nucleotide variant.
Coding change: c.799+1G>A on transcript NM_000498.3 (MANE Select); the canonical splice donor site of the intron after coding-DNA position 799, G replaced by A.
Molecular consequence: splice donor variant.
Genome position (GRCh38, 1-based): chr8:142,914,704, C>T on the plus strand (G>A on the coding strand, the complement: CYP11B2 is on the minus strand). VCF-style: chr8-142914704-C-T. GRCh37 (hg19) VCF-style: chr8-143996120-C-T.
Identifiers: ClinVar variation 4724470 (VCV004724470.2).